The following is an entry in ClinVar:

NM_033515.3(ARHGAP18):c.1123-20_1123-13del

Gene: ARHGAP18 (Rho GTPase activating protein 18; minus strand). Cytogenetic location: 6q22.33.
Variant type: Deletion.
Coding change: c.1123-20_1123-13del on transcript NM_033515.3 (MANE Select); 20 bases into the intron before coding-DNA position 1123 through 13 bases into the intron before coding-DNA position 1123, 8 bases deleted (TTTTTTTT; older notation c.1123-20_1123-13delTTTTTTTT).
Molecular consequence: intron variant.
Genome position (GRCh38, 1-based): chr6:129,608,065-129,608,072, AAAAAAAA deleted on the plus strand (TTTTTTTT on the coding strand, the reverse complement: ARHGAP18 is on the minus strand); deleting any 8 consecutive bases within chr6:129,608,065-129,608,086 gives the same sequence; the c. name uses the placement nearest the transcript's 3' end. VCF-style (leftmost placement, unchanged base first): chr6-129608064-GAAAAAAAA-G. GRCh37 (hg19) VCF-style: chr6-129929209-GAAAAAAAA-G.
Identifiers: ClinVar variation 3039265 (VCV003039265.2), dbSNP rs577070164, ClinGen allele CA1094397374.
Genomic context (GRCh38, chr6:129,608,064, plus strand): 5'-AATTAAAAGTCCCTTCATAAAACTTTGCTTCTAGTTCTTGGCAAAGATTCTGATAGGCAC[GAAAAAAAA>G]AAAAAAAAAAAAAAGAAGCAGCTAGAAGTGCATTTTTTTTCTTGCTGAGAGTATGACACA-3'

ClinVar aggregate classification (germline): Likely benign (0 of 4 stars; one submission).

Conditions:
ARHGAP18-related disorder. Also called: ARHGAP18-related condition.

Submission:

PreventionGenetics, part of Exact Sciences
Classification: Likely benign for ARHGAP18-related condition. Last evaluated: 2024-02-29. Review status: no assertion criteria provided. Collection method: clinical testing. Allele origin: germline.
Comment: This variant is classified as likely benign based on ACMG/AMP sequence variant interpretation guidelines (Richards et al. 2015 PMID: 25741868, with internal and published modifications).